The following is an entry in ClinVar:

NM_001291303.3(FAT4):c.1698C>T (p.Ala566=)

Gene: FAT4 (FAT atypical cadherin 4; plus strand). Cytogenetic location: 4q28.1.
Variant type: single nucleotide variant.
Coding change: c.1698C>T on transcript NM_001291303.3 (MANE Select); coding-DNA position 1698, C replaced by T.
Protein change: p.Ala566=; no amino-acid change (alanine 566 retained).
Molecular consequence: synonymous variant.
Genome position (GRCh38, 1-based): chr4:125,318,109, C>T. VCF-style: chr4-125318109-C-T. GRCh37 (hg19) VCF-style: chr4-126239264-C-T.
Other names: c.1698C>T, p.Ala566= (NM_001291285.3, NM_024582.6).
Identifiers: ClinVar variation 391916 (VCV000391916.11), dbSNP rs370653820, ClinGen allele CA3072041.
Genomic context (GRCh38, chr4:125,318,109, plus strand): 5'-CCAGATTGTTCTGAATATAAGTGCCCGGGACCAGGGAGTTCACCCCAAGGTGTCCTATGC[C>T]CAGCTTGTAGTAACTCTCCTAGATGTGAATGATGAAAAGCCAGTATTTAGCCAGCCAGAA-3'
Protein context (NP_001278232.1, residues 556-576): DQGVHPKVSY[Ala566=]QLVVTLLDVN

ClinVar aggregate classification (germline): Likely benign. Review status: criteria provided, multiple submitters, no conflicts (2 of 4 stars). 4 submissions from 4 submitters: Likely benign (3). 1 of the submissions does not count toward it. Last evaluated 2025-12-03.

Conditions:
FAT4-related disorder. Also called: FAT4-related condition.

Allele frequency attached by ClinVar (database versions not stated): gnomAD exomes 0.00002 and 0.00004; ESP Exome Variant Server 0.00008; ExAC 0.00009; gnomAD 0.00030 and 0.00033; TOPMed 0.00032.
gnomAD v4.1: 83 of 1,613,956 alleles (0.0051%); highest among the groups gnomAD compares: African/African-American, 0.092%; no homozygotes.

Submissions (4):

Labcorp Genetics (formerly Invitae), Labcorp
Classification: Likely benign. Last evaluated: 2025-12-03. Review status: criteria provided, single submitter. Criteria: Invitae Variant Classification Sherloc (09022015). Collection method: clinical testing. Allele origin: germline.

Blueprint Genetics
Classification: Likely benign. Last evaluated: 2024-11-05. Review status: criteria provided, single submitter. Criteria: ACMG Guidelines, 2015. Collection method: clinical testing. Allele origin: germline.

GeneDx
Classification: Likely benign. Last evaluated: 2016-12-19. Review status: criteria provided, single submitter. Criteria: GeneDx Variant Classification (06012015). Collection method: clinical testing. Allele origin: germline. Affected: yes.
Comment: This variant is considered likely benign or benign based on one or more of the following criteria: it is a conservative change, it occurs at a poorly conserved position in the protein, it is predicted to be benign by multiple in silico algorithms, and/or has population frequency not consistent with disease.

PreventionGenetics, part of Exact Sciences
Classification: Likely benign for FAT4-related condition. Last evaluated: 2024-01-31. Review status: no assertion criteria provided. Collection method: clinical testing. Allele origin: germline. Not counted in ClinVar's aggregate classification.
Comment: This variant is classified as likely benign based on ACMG/AMP sequence variant interpretation guidelines (Richards et al. 2015 PMID: 25741868, with internal and published modifications).